The following is an entry in ClinVar:

NM_032119.4(ADGRV1):c.8566G>A (p.Gly2856Arg)

Gene: ADGRV1 (adhesion G protein-coupled receptor V1; plus strand). Cytogenetic location: 5q14.3.
Variant type: single nucleotide variant.
Coding change: c.8566G>A on transcript NM_032119.4 (MANE Select); coding-DNA position 8566, G replaced by A.
Protein change: p.Gly2856Arg; replaces glycine 2856 with arginine.
Molecular consequence: missense variant. On other transcripts: non-coding transcript variant (1).
Genome position (GRCh38, 1-based): chr5:90,705,579, G>A. VCF-style: chr5-90705579-G-A. GRCh37 (hg19) VCF-style: chr5-90001396-G-A.
Other names: short protein forms G2856R.
Identifiers: ClinVar variation 2109354 (VCV002109354.4), dbSNP rs2531082556, ClinGen allele CA360391685.

ClinVar aggregate classification (germline): Uncertain significance (1 of 4 stars; one submission).

Submission:

Labcorp Genetics (formerly Invitae), Labcorp
Classification: Uncertain significance. Last evaluated: 2022-03-19. Review status: criteria provided, single submitter. Criteria: Invitae Variant Classification Sherloc (09022015). Collection method: clinical testing. Allele origin: germline.
Comment: This sequence change replaces glycine, which is neutral and non-polar, with arginine, which is basic and polar, at codon 2856 of the ADGRV1 protein (p.Gly2856Arg). This variant also falls at the last nucleotide of exon 37, which is part of the consensus splice site for this exon. This variant is not present in population databases (gnomAD no frequency). This variant has not been reported in the literature in individuals affected with ADGRV1-related conditions. Algorithms developed to predict the effect of missense changes on protein structure and function are either unavailable or do not agree on the potential impact of this missense change (SIFT: "Deleterious"; PolyPhen-2: "Probably Damaging"; Align-GVGD: "Class C0"). Variants that disrupt the consensus splice site are a relatively common cause of aberrant splicing (PMID: 17576681, 9536098). Algorithms developed to predict the effect of sequence changes on RNA splicing suggest that this variant may disrupt the consensus splice site. In summary, the available evidence is currently insufficient to determine the role of this variant in disease. Therefore, it has been classified as a Variant of Uncertain Significance.

Literature cited by the submitters: PubMed 17576681; PubMed 9536098.